The following is an entry in ClinVar:

ClinVar aggregate classification (germline): Uncertain significance. Review status: criteria provided, multiple submitters, no conflicts (2 of 4 stars). 2 submissions from 2 submitters: Uncertain significance (2). Last evaluated 2025-07-02.

Allele frequency attached by ClinVar (database versions not stated): ExAC 0.00001; gnomAD 0.00001.
gnomAD v4.1: 26 of 1,613,746 alleles (0.0016%); highest among the groups gnomAD compares: Non-Finnish European, 0.0019%; no homozygotes.

Submissions (2):

Labcorp Genetics (formerly Invitae), Labcorp
Classification: Uncertain significance. Last evaluated: 2025-07-02. Review status: criteria provided, single submitter. Criteria: Invitae Variant Classification Sherloc (09022015). Collection method: clinical testing. Allele origin: germline.
Comment: This sequence change replaces alanine, which is neutral and non-polar, with threonine, which is neutral and polar, at codon 603 of the ADGRE2 protein (p.Ala603Thr). The frequency data for this variant in the population databases is considered unreliable, as metrics indicate poor data quality at this position in the gnomAD database. This variant has not been reported in the literature in individuals affected with ADGRE2-related conditions. ClinVar contains an entry for this variant (Variation ID: 2287649). An algorithm developed to predict the effect of missense changes on protein structure and function (PolyPhen-2) suggests that this variant is likely to be disruptive. In summary, the available evidence is currently insufficient to determine the role of this variant in disease. Therefore, it has been classified as a Variant of Uncertain Significance.

Ambry Genetics
Classification: Uncertain significance. Last evaluated: 2022-05-05. Review status: criteria provided, single submitter. Criteria: Ambry Variant Classification Scheme 2023. Collection method: clinical testing. Allele origin: germline.

NM_013447.4(ADGRE2):c.1807G>A (p.Ala603Thr)

Gene: ADGRE2 (adhesion G protein-coupled receptor E2; minus strand). Cytogenetic location: 19p13.12.
Variant type: single nucleotide variant.
Coding change: c.1807G>A on transcript NM_013447.4 (MANE Select); coding-DNA position 1807, G replaced by A.
Protein change: p.Ala603Thr; replaces alanine 603 with threonine.
Molecular consequence: missense variant.
Genome position (GRCh38, 1-based): chr19:14,751,653, C>T on the plus strand (G>A on the coding strand, the complement: ADGRE2 is on the minus strand). VCF-style: chr19-14751653-C-T. GRCh37 (hg19) VCF-style: chr19-14862465-C-T.
Other names: c.1633G>A, p.Ala545Thr (NM_001271052.1); c.1660G>A, p.Ala554Thr (NM_152916.2); c.1528G>A, p.Ala510Thr (NM_152917.2); short protein forms A510T, A603T, A554T, A545T.
Identifiers: ClinVar variation 2287649 (VCV002287649.3), dbSNP rs760081009, ClinGen allele CA9257576.
Genomic context (GRCh38, chr19:14,751,653, plus strand): 5'-ACAGGGCCTCCAGCAGCATCCAGGTCAAGGTGGCCAGGTAGAGATAGTGCAAGGTACCGG[C>T]GATGATGGAGCACAGCACCTGGCGGAGAAGTAAAAGACGCCCAGAGCGGCGATCAGATTT-3'
Protein context (NP_038475.2, residues 593-613): TGHKVLCSII[Ala603Thr]GTLHYLYLAT